The following is an entry in ClinVar:

ClinVar aggregate classification (germline): Uncertain significance (1 of 4 stars; one submission).

Conditions:
Propionic acidemia (PROP). Also called: GLYCINEMIA, KETOTIC; HYPERGLYCINEMIA WITH KETOACIDOSIS AND LEUKOPENIA; KETOTIC HYPERGLYCINEMIA. Identifiers: Orphanet 35, MedGen C0268579, MONDO:0011628, OMIM 606054, HP:0003571.

Submission:

Labcorp Genetics (formerly Invitae), Labcorp
Classification: Uncertain significance for Propionic acidemia. Last evaluated: 2022-08-27. Review status: criteria provided, single submitter. Criteria: Invitae Variant Classification Sherloc (09022015). Collection method: clinical testing. Allele origin: germline.
Comment: This variant is not present in population databases (gnomAD no frequency). In summary, the available evidence is currently insufficient to determine the role of this variant in disease. Therefore, it has been classified as a Variant of Uncertain Significance. Advanced modeling of protein sequence and biophysical properties (such as structural, functional, and spatial information, amino acid conservation, physicochemical variation, residue mobility, and thermodynamic stability) performed at Invitae indicates that this missense variant is expected to disrupt PCCB protein function. This variant has not been reported in the literature in individuals affected with PCCB-related conditions. This sequence change replaces glycine, which is neutral and non-polar, with valine, which is neutral and non-polar, at codon 407 of the PCCB protein (p.Gly407Val).

NM_000532.5(PCCB):c.1220G>T (p.Gly407Val)

Gene: PCCB (propionyl-CoA carboxylase subunit beta; plus strand). Cytogenetic location: 3q22.3.
Variant type: single nucleotide variant.
Coding change: c.1220G>T on transcript NM_000532.5 (MANE Select); coding-DNA position 1220, G replaced by T.
Protein change: p.Gly407Val; replaces glycine 407 with valine.
Molecular consequence: missense variant.
Genome position (GRCh38, 1-based): chr3:136,327,176, G>T. VCF-style: chr3-136327176-G-T. GRCh37 (hg19) VCF-style: chr3-136046018-G-T.
Other names: c.1280G>T, p.Gly427Val (NM_001178014.2); short protein forms G427V, G407V.
Identifiers: ClinVar variation 2111017 (VCV002111017.4), dbSNP rs2529972037, ClinGen allele CA354649059.
Genomic context (GRCh38, chr3:136,327,176, plus strand): 5'-AGGACTTGTGGGTATCTAGTAACTCTTCCTCATGTCTAGGCACAGCACAGGAATACGGGG[G>T]CATCATCCGGCATGGTGCCAAGCTTCTCTACGCATTTGCTGAGGCAACTGTACCCAAAGT-3'
Protein context (NP_000523.2, residues 397-417): FLPGTAQEYG[Gly407Val]IIRHGAKLLY